The following is an entry in ClinVar:

ClinVar aggregate classification (germline): Uncertain significance (1 of 4 stars; one submission).

Allele frequency attached by ClinVar (database versions not stated): gnomAD 0.00001.
gnomAD v4.1: 22 of 1,285,388 alleles (0.0017%); highest among the groups gnomAD compares: Non-Finnish European, 0.0025%; no homozygotes.

Submission:

Labcorp Genetics (formerly Invitae), Labcorp
Classification: Uncertain significance. Last evaluated: 2021-10-27. Review status: criteria provided, single submitter. Criteria: Invitae Variant Classification Sherloc (09022015). Collection method: clinical testing. Allele origin: germline.
Comment: In summary, the available evidence is currently insufficient to determine the role of this variant in disease. Therefore, it has been classified as a Variant of Uncertain Significance. Variants that disrupt the consensus splice site are a relatively common cause of aberrant splicing (PMID: 17576681, 9536098). Algorithms developed to predict the effect of sequence changes on RNA splicing suggest that this variant is not likely to affect RNA splicing. This variant has not been reported in the literature in individuals affected with PDE10A-related conditions. This variant is not present in population databases (gnomAD no frequency). This sequence change falls in intron 10 of the PDE10A gene. It does not directly change the encoded amino acid sequence of the PDE10A protein. It affects a nucleotide within the consensus splice site.

Literature cited by the submitters: PubMed 17576681; PubMed 9536098.

NM_001385079.1(PDE10A):c.1653+4G>A

Gene: PDE10A (phosphodiesterase 10A; minus strand). Cytogenetic location: 6q27.
Variant type: single nucleotide variant.
Coding change: c.1653+4G>A on transcript NM_001385079.1 (MANE Select); 4 bases into the intron after coding-DNA position 1653, G replaced by A.
Molecular consequence: intron variant.
Genome position (GRCh38, 1-based): chr6:165,428,654, C>T on the plus strand (G>A on the coding strand, the complement: PDE10A is on the minus strand). VCF-style: chr6-165428654-C-T. GRCh37 (hg19) VCF-style: chr6-165842142-C-T.
Other names: c.855+4G>A (NM_001130690.3); c.825+4G>A (NM_006661.4).
Identifiers: ClinVar variation 1367090 (VCV001367090.6), dbSNP rs1350692878, ClinGen allele CA822125485.